The following is an entry in ClinVar:

ClinVar aggregate classification (germline): Pathogenic (1 of 4 stars; one submission).

Conditions:
Lysinuric protein intolerance (LPI). Identifiers: Orphanet 470, MedGen C0268647, MONDO:0009109, OMIM 222700.

Submission:

Labcorp Genetics (formerly Invitae), Labcorp
Classification: Pathogenic for Lysinuric protein intolerance. Last evaluated: 2021-01-05. Review status: criteria provided, single submitter. Criteria: Invitae Variant Classification Sherloc (09022015). Collection method: clinical testing. Allele origin: germline.
Comment: This variant has not been reported in the literature in individuals with SLC7A7-related conditions. This variant is present in population databases (rs769721689, ExAC 0.002%). This sequence change creates a premature translational stop signal (p.Phe214Serfs*3) in the SLC7A7 gene. It is expected to result in an absent or disrupted protein product. Loss-of-function variants in SLC7A7 are known to be pathogenic (PMID: 10631139, 17764084). For these reasons, this variant has been classified as Pathogenic.

Literature cited by the submitters: PubMed 10631139; PubMed 17764084.

NM_003982.4(SLC7A7):c.635_638dup (p.Phe214fs)

Gene: SLC7A7 (solute carrier family 7 member 7; minus strand). Cytogenetic location: 14q11.2.
Variant type: Duplication.
Coding change: c.635_638dup on transcript NM_003982.4 (MANE Select); coding-DNA positions 635 to 638, 4 bases duplicated (CTCA; older notation c.635_638dupCTCA).
Protein change: p.Phe214fs; shifts the reading frame from phenylalanine 214.
Molecular consequence: frameshift variant.
Genome position (GRCh38, 1-based): chr14:22,778,925-22,778,928, TGAG duplicated on the plus strand (CTCA on the coding strand, the reverse complement: SLC7A7 is on the minus strand); duplicating any 4 consecutive bases within chr14:22,778,925-22,778,929 gives the same sequence; the c. name uses the placement nearest the transcript's 3' end. VCF-style (leftmost placement, unchanged base first): chr14-22778924-A-ATGAG. GRCh37 (hg19) VCF-style: chr14-23248133-A-ATGAG.
Other names: c.635_638dup, p.Phe214fs (NM_001126105.3, NM_001126106.4); short protein forms F214fs.
Identifiers: ClinVar variation 1460241 (VCV001460241.6), dbSNP rs769721689, ClinGen allele CA7104634.